The following is an entry in ClinVar:

NM_004006.3(DMD):c.10640C>T (p.Pro3547Leu)

Gene: DMD (dystrophin; minus strand). Cytogenetic location: Xp21.2.
Variant type: single nucleotide variant.
Coding change: c.10640C>T on transcript NM_004006.3 (MANE Select); coding-DNA position 10640, C replaced by T.
Protein change: p.Pro3547Leu; replaces proline 3547 with leucine.
Molecular consequence: missense variant.
Genome position (GRCh38, 1-based): chrX:31,147,432, G>A on the plus strand (C>T on the coding strand, the complement: DMD is on the minus strand). VCF-style: chrX-31147432-G-A. GRCh37 (hg19) VCF-style: chrX-31165549-G-A.
Other names: c.10616C>T, p.Pro3539Leu (NM_000109.4); c.10628C>T, p.Pro3543Leu (NM_004009.3); c.10271C>T, p.Pro3424Leu (NM_004010.3); c.6617C>T, p.Pro2206Leu (NM_004011.4); c.6608C>T, p.Pro2203Leu (NM_004012.4); c.3260C>T, p.Pro1087Leu (NM_004013.3, NM_004021.3); c.2453C>T, p.Pro818Leu (NM_004014.3); c.1436C>T, p.Pro479Leu (NM_004015.3, NM_004016.3); and 3 more; short protein forms P3424L, P3539L, P1087L, P479L, P977L, P2203L, P3547L, P1074L.
Identifiers: ClinVar variation 4842493 (VCV004842493.1).

ClinVar aggregate classification (germline): Uncertain significance (1 of 4 stars; one submission).

Conditions:
Cardiovascular phenotype. Identifiers: MedGen CN230736.

Submission:

Ambry Genetics
Classification: Uncertain significance for Cardiovascular phenotype. Last evaluated: 2025-12-18. Review status: criteria provided, single submitter. Criteria: Ambry Variant Classification Scheme 2023. Collection method: clinical testing. Allele origin: germline.
Comment: The p.P3547L variant (also known as c.10640C>T), located in coding exon 75 of the DMD gene, results from a C to T substitution at nucleotide position 10640. The proline at codon 3547 is replaced by leucine, an amino acid with similar properties. This amino acid position is highly conserved in available vertebrate species. In addition, the in silico prediction for this alteration is inconclusive. Based on data from gnomAD, the T allele has an overall frequency of <0.01% (1/182712) total alleles studied, with no hemizygote(s) observed. The highest observed frequency was 0.02% (1/4504) of Other alleles. Based on the available evidence, the clinical significance of this variant remains unclear.